The following is an entry in ClinVar:

NM_004036.5(ADCY3):c.2347G>A (p.Val783Ile)

Gene: ADCY3 (adenylate cyclase 3; minus strand). Cytogenetic location: 2p23.3.
Variant type: single nucleotide variant.
Coding change: c.2347G>A on transcript NM_004036.5 (MANE Select); coding-DNA position 2347, G replaced by A.
Protein change: p.Val783Ile; replaces valine 783 with isoleucine.
Molecular consequence: missense variant. On other transcripts: intron variant (1).
Genome position (GRCh38, 1-based): chr2:24,827,987, C>T on the plus strand (G>A on the coding strand, the complement: ADCY3 is on the minus strand). VCF-style: chr2-24827987-C-T. GRCh37 (hg19) VCF-style: chr2-25050856-C-T.
Other names: c.2347G>A, p.Val783Ile (NM_001320613.2, NM_001377132.1); c.2413G>A, p.Val805Ile (NM_001377128.1); c.2209G>A, p.Val737Ile (NM_001377129.1); c.1624G>A, p.Val542Ile (NM_001377131.1); c.2172+2722G>A (NM_001377130.1); short protein forms V542I, V737I, V783I, V805I.
Identifiers: ClinVar variation 2634296 (VCV002634296.2), dbSNP rs779412964, ClinGen allele CA1553806.

ClinVar aggregate classification (germline): Uncertain significance (0 of 4 stars; one submission).

Conditions:
ADCY3-related disorder. Also called: ADCY3-related condition.

Allele frequency attached by ClinVar (database versions not stated): gnomAD 0.00006.
gnomAD v4.1: 18 of 1,614,120 alleles (0.0011%); highest among the groups gnomAD compares: African/African-American, 0.016%; no homozygotes.

Submission:

PreventionGenetics, part of Exact Sciences
Classification: Uncertain significance for ADCY3-related condition. Last evaluated: 2024-03-22. Review status: no assertion criteria provided. Collection method: clinical testing. Allele origin: germline.
Comment: The ADCY3 c.2347G>A variant is predicted to result in the amino acid substitution p.Val783Ile. To our knowledge, this variant has not been reported in the literature. This variant is reported in 0.012% of alleles in individuals of African descent in gnomAD. At this time, the clinical significance of this variant is uncertain due to the absence of conclusive functional and genetic evidence.